The following is an entry in ClinVar:

NM_145207.3(AFG2A):c.1078A>G (p.Ser360Gly)

Gene: AFG2A (AAA ATPase AFG2A; plus strand). Cytogenetic location: 4q28.1.
Variant type: single nucleotide variant.
Coding change: c.1078A>G on transcript NM_145207.3 (MANE Select); coding-DNA position 1078, A replaced by G.
Protein change: p.Ser360Gly; replaces serine 360 with glycine.
Molecular consequence: missense variant.
Genome position (GRCh38, 1-based): chr4:122,934,669, A>G. VCF-style: chr4-122934669-A-G. GRCh37 (hg19) VCF-style: chr4-123855824-A-G.
Other names: c.1075A>G, p.Ser359Gly (NM_001317799.2, NM_001345856.2); short protein forms S359G, S360G.
Identifiers: ClinVar variation 2090971 (VCV002090971.3), dbSNP rs1578528331, ClinGen allele CA358103178.

ClinVar aggregate classification (germline): Uncertain significance (1 of 4 stars; one submission).

Conditions:
Microcephaly-intellectual disability-sensorineural hearing loss-epilepsy-abnormal muscle tone syndrome (NEDHSB). Also called: NEURODEVELOPMENTAL DISORDER WITH HEARING LOSS, SEIZURES, AND BRAIN ABNORMALITIES. Identifiers: Orphanet 457351, MedGen C4225276, MONDO:0014698, OMIM 616577.

Submission:

Labcorp Genetics (formerly Invitae), Labcorp
Classification: Uncertain significance for Microcephaly-intellectual disability-sensorineural hearing loss-epilepsy-abnormal muscle tone syndrome. Last evaluated: 2022-01-28. Review status: criteria provided, single submitter. Criteria: Invitae Variant Classification Sherloc (09022015). Collection method: clinical testing. Allele origin: germline.
Comment: Advanced modeling of protein sequence and biophysical properties (such as structural, functional, and spatial information, amino acid conservation, physicochemical variation, residue mobility, and thermodynamic stability) performed at Invitae indicates that this missense variant is not expected to disrupt SPATA5 protein function. In summary, the available evidence is currently insufficient to determine the role of this variant in disease. Therefore, it has been classified as a Variant of Uncertain Significance. This variant has not been reported in the literature in individuals affected with SPATA5-related conditions. This variant is not present in population databases (gnomAD no frequency). This sequence change replaces serine, which is neutral and polar, with glycine, which is neutral and non-polar, at codon 360 of the SPATA5 protein (p.Ser360Gly).